The following is an entry in ClinVar:

NM_014795.4(ZEB2):c.1660A>G (p.Ile554Val)

Gene: ZEB2 (zinc finger E-box binding homeobox 2; minus strand). Cytogenetic location: 2q22.3.
Variant type: single nucleotide variant.
Coding change: c.1660A>G on transcript NM_014795.4 (MANE Select); coding-DNA position 1660, A replaced by G.
Protein change: p.Ile554Val; replaces isoleucine 554 with valine.
Molecular consequence: missense variant.
Genome position (GRCh38, 1-based): chr2:144,399,527, T>C on the plus strand (A>G on the coding strand, the complement: ZEB2 is on the minus strand). VCF-style: chr2-144399527-T-C. GRCh37 (hg19) VCF-style: chr2-145157094-T-C.
Other names: c.1588A>G, p.Ile530Val (NM_001171653.2); short protein forms I530V, I554V.
Identifiers: ClinVar variation 4987119 (VCV004987119.1).

ClinVar aggregate classification (germline): Uncertain significance (1 of 4 stars; one submission).

Conditions:
ZEB2-related disorder. Also called: ZEB2-related condition.

Submission:

PreventionGenetics, part of Exact Sciences
Classification: Uncertain significance for ZEB2-related condition. Last evaluated: 2025-08-09. Review status: criteria provided, single submitter. Criteria: ACMG Guidelines, 2015. Collection method: clinical testing. Allele origin: germline.
Comment: The ZEB2 c.1660A>G variant is predicted to result in the amino acid substitution p.Ile554Val. To our knowledge, this variant has not been reported in the literature. This variant is reported in 0.0062% of alleles in individuals of African descent in gnomAD. At this time, the clinical significance of this variant is uncertain due to the absence of conclusive functional and genetic evidence.